The following is an entry in ClinVar:

ClinVar aggregate classification (germline): Benign/Likely benign. Review status: criteria provided, multiple submitters, no conflicts (2 of 4 stars). 2 submissions from 2 submitters: Benign (1); Likely benign (1). Last evaluated 2019-07-26.

Conditions:
Blood group, I system (Ii). Identifiers: MedGen C0020717, OMIM 110800.

Allele frequency attached by ClinVar (database versions not stated): gnomAD exomes 0.00110; 1000 Genomes Project 0.00899; 1000 Genomes Project 30x 0.00937; gnomAD 0.01024 and 0.01112; TOPMed 0.01171.
gnomAD v4.1: 2,594 of 1,059,312 alleles (0.24%); highest among the groups gnomAD compares: African/African-American, 3.5%; 42 homozygotes.

Submissions (2):

GeneDx
Classification: Likely benign. Last evaluated: 2019-07-26. Review status: criteria provided, single submitter. Criteria: GeneDx Variant Classification Process June 2021. Collection method: clinical testing. Allele origin: germline. Affected: yes.

Illumina Laboratory Services, Illumina
Classification: Benign for Blood group, I system. Last evaluated: 2018-01-13. Review status: criteria provided, single submitter. Criteria: ICSL Variant Classification Criteria 13 December 2019. Collection method: clinical testing. Allele origin: germline.
Comment: This variant was observed in the ICSL laboratory as part of a predisposition screen in an ostensibly healthy population. It had not been previously curated by ICSL or reported in the Human Gene Mutation Database (HGMD: prior to June 1st, 2018), and was therefore a candidate for classification through an automated scoring system. Utilizing variant allele frequency, disease prevalence and penetrance estimates, and inheritance mode, an automated score was calculated to assess if this variant is too frequent to cause the disease. Based on the score and internal cut-off values, a variant classified as benign is not then subjected to further curation. The score for this variant resulted in a classification of benign for this disease.

NM_145649.5(GCNT2):c.*81G>A

Gene: GCNT2 (glucosaminyl (N-acetyl) transferase 2 (I blood group); plus strand). Cytogenetic location: 6p24.2.
Variant type: single nucleotide variant.
Coding change: c.*81G>A on transcript NM_145649.5 (MANE Select); 81 bases downstream of the stop codon, G replaced by A.
Molecular consequence: 3 prime UTR variant.
Genome position (GRCh38, 1-based): chr6:10,626,688, G>A. VCF-style: chr6-10626688-G-A. GRCh37 (hg19) VCF-style: chr6-10626921-G-A.
Other names: c.*81G>A (NM_001374747.1, NM_001491.3, NM_145655.4).
Identifiers: ClinVar variation 354710 (VCV000354710.8), dbSNP rs2230907, ClinGen allele CA10621048.